The following is an entry in ClinVar:

NM_000388.4(CASR):c.2021A>T (p.Asp674Val)

Gene: CASR (calcium sensing receptor; plus strand). Cytogenetic location: 3q21.1.
Variant type: single nucleotide variant.
Coding change: c.2021A>T on transcript NM_000388.4 (MANE Select); coding-DNA position 2021, A replaced by T.
Protein change: p.Asp674Val; replaces aspartic acid 674 with valine.
Molecular consequence: missense variant.
Genome position (GRCh38, 1-based): chr3:122,283,975, A>T. VCF-style: chr3-122283975-A-T. GRCh37 (hg19) VCF-style: chr3-122002822-A-T.
Other names: c.2051A>T, p.Asp684Val (NM_001178065.2); short protein forms D674V, D684V.
Identifiers: ClinVar variation 1429601 (VCV001429601.8), dbSNP rs2107649801, ClinGen allele CA354158322.

ClinVar aggregate classification (germline): Uncertain significance (1 of 4 stars; one submission).

Conditions:
Familial hypocalciuric hypercalcemia (FHH). Also called: Familial benign hypercalcemia. Identifiers: Orphanet 405, MedGen C1809471, MONDO:0018458.
Autosomal dominant hypocalcemia 1 (HYPOC1). Also called: HYPOCALCEMIA, FAMILIAL. Identifiers: MedGen C3715128, MONDO:0011013, OMIM 601198.

Submission:

Labcorp Genetics (formerly Invitae), Labcorp
Classification: Uncertain significance for Familial hypocalciuric hypercalcemia; Autosomal dominant hypocalcemia 1. Last evaluated: 2021-02-07. Review status: criteria provided, single submitter. Criteria: Invitae Variant Classification Sherloc (09022015). Collection method: clinical testing. Allele origin: germline.
Comment: This sequence change replaces aspartic acid with valine at codon 674 of the CASR protein (p.Asp674Val). The aspartic acid residue is highly conserved and there is a large physicochemical difference between aspartic acid and valine. This variant is not present in population databases (ExAC no frequency). This variant has not been reported in the literature in individuals with CASR-related conditions. Algorithms developed to predict the effect of missense changes on protein structure and function (SIFT, PolyPhen-2, Align-GVGD) all suggest that this variant is likely to be disruptive, but these predictions have not been confirmed by published functional studies and their clinical significance is uncertain. Algorithms developed to predict the effect of sequence changes on RNA splicing suggest that this variant may create or strengthen a splice site, but this prediction has not been confirmed by published transcriptional studies. In summary, the available evidence is currently insufficient to determine the role of this variant in disease. Therefore, it has been classified as a Variant of Uncertain Significance.